The following is an entry in ClinVar:

NM_000127.3(EXT1):c.287_290dup (p.Cys98fs)

Gene: EXT1 (exostosin glycosyltransferase 1; minus strand). Cytogenetic location: 8q24.11.
Variant type: Duplication.
Coding change: c.287_290dup on transcript NM_000127.3 (MANE Select); coding-DNA positions 287 to 290, 4 bases duplicated (AGAA; older notation c.287_290dupAGAA).
Protein change: p.Cys98fs; shifts the reading frame from cysteine 98.
Molecular consequence: frameshift variant.
Genome position (GRCh38, 1-based): chr8:118,110,757-118,110,760, TTCT duplicated on the plus strand (AGAA on the coding strand, the reverse complement: EXT1 is on the minus strand); duplicating any 4 consecutive bases within chr8:118,110,757-118,110,761 gives the same sequence; the c. name uses the placement nearest the transcript's 3' end. VCF-style (leftmost placement, unchanged base first): chr8-118110756-C-CTTCT. GRCh37 (hg19) VCF-style: chr8-119122995-C-CTTCT.
Other names: short protein forms C98fs.
Identifiers: ClinVar variation 1071829 (VCV001071829.7), dbSNP rs2130044431, ClinGen allele CA2499219112.

ClinVar aggregate classification (germline): Pathogenic (1 of 4 stars; one submission).

Conditions:
Multiple congenital exostosis (EXT). Also called: Hereditary multiple exostoses; Hereditary multiple exostosis; MULTIPLE CARTILAGINOUS EXOSTOSES; Multiple exostoses; Hereditary multiple osteochondromas; Multiple osteochondromas. Identifiers: Orphanet 321, MedGen C0015306, MONDO:0005508, HP:0002762.

Submission:

Labcorp Genetics (formerly Invitae), Labcorp
Classification: Pathogenic for Multiple congenital exostosis. Last evaluated: 2020-08-06. Review status: criteria provided, single submitter. Criteria: Invitae Variant Classification Sherloc (09022015). Collection method: clinical testing. Allele origin: germline.
Comment: For these reasons, this variant has been classified as Pathogenic. Loss-of-function variants in EXT1 are known to be pathogenic (PMID: 10679937, 11391482, 19810120). This variant has not been reported in the literature in individuals with EXT1-related conditions. This variant is not present in population databases (ExAC no frequency). This sequence change creates a premature translational stop signal (p.Cys98Glufs*92) in the EXT1 gene. It is expected to result in an absent or disrupted protein product.

Literature cited by the submitters: PubMed 10679937; PubMed 11391482; PubMed 19810120.